The following is an entry in ClinVar:

NM_021930.6(RINT1):c.808C>G (p.Leu270Val)

Gene: RINT1 (RAD50 interactor 1; plus strand). Cytogenetic location: 7q22.3.
Variant type: single nucleotide variant.
Coding change: c.808C>G on transcript NM_021930.6 (MANE Select); coding-DNA position 808, C replaced by G.
Protein change: p.Leu270Val; replaces leucine 270 with valine.
Molecular consequence: missense variant. On other transcripts: 5 prime UTR variant (2), non-coding transcript variant (1), intron variant (1).
Genome position (GRCh38, 1-based): chr7:105,547,302, C>G. VCF-style: chr7-105547302-C-G. GRCh37 (hg19) VCF-style: chr7-105187749-C-G.
Other names: c.574C>G, p.Leu192Val (NM_001346599.2); c.-212C>G (NM_001346600.2); c.-115C>G (NM_001346601.2); c.-27-2753C>G (NM_001346603.2); short protein forms L192V, L270V.
Identifiers: ClinVar variation 4863335 (VCV004863335.1).

ClinVar aggregate classification (germline): Uncertain significance (1 of 4 stars; one submission).

gnomAD v4.1: 1 of 1,614,198 alleles (0.000062%); highest among the groups gnomAD compares: Non-Finnish European, 0.000085%; no homozygotes.

Submission:

Ambry Genetics
Classification: Uncertain significance. Last evaluated: 2026-05-14. Review status: criteria provided, single submitter. Criteria: Ambry Variant Classification Scheme 2023. Collection method: clinical testing. Allele origin: germline.
Comment: The p.L270V variant (also known as c.808C>G), located in coding exon 6 of the RINT1 gene, results from a C to G substitution at nucleotide position 808. The leucine at codon 270 is replaced by valine, an amino acid with highly similar properties. This amino acid position is conserved. In addition, this alteration is predicted to be tolerated by in silico analysis. Based on the available evidence, the clinical significance of this variant remains unclear.